The following is an entry in ClinVar:

ClinVar aggregate classification (germline): Uncertain significance (1 of 4 stars; one submission).

Conditions:
Acyl-CoA oxidase deficiency. Also called: Peroxisomal acyl-CoA oxidase deficiency; STRAIGHT-CHAIN ACYL-CoA OXIDASE DEFICIENCY; Pseudoneonatal adrenoleukodystrophy. Identifiers: Orphanet 2971, MedGen C1849678, MONDO:0009919, OMIM 264470. Disease mechanism: loss of function.

Submission:

Labcorp Genetics (formerly Invitae), Labcorp
Classification: Uncertain significance for Acyl-CoA oxidase deficiency. Last evaluated: 2025-07-14. Review status: criteria provided, single submitter. Criteria: Invitae Variant Classification Sherloc (09022015). Collection method: clinical testing. Allele origin: germline.
Comment: This sequence change replaces leucine, which is neutral and non-polar, with proline, which is neutral and non-polar, at codon 429 of the ACOX1 protein (p.Leu429Pro). This variant is not present in population databases (gnomAD no frequency). This variant has not been reported in the literature in individuals affected with ACOX1-related conditions. ClinVar contains an entry for this variant (Variation ID: 2761624). Invitae Evidence Modeling of protein sequence and biophysical properties (such as structural, functional, and spatial information, amino acid conservation, physicochemical variation, residue mobility, and thermodynamic stability) indicates that this missense variant is expected to disrupt ACOX1 protein function with a positive predictive value of 80%. In summary, the available evidence is currently insufficient to determine the role of this variant in disease. Therefore, it has been classified as a Variant of Uncertain Significance.

NM_004035.7(ACOX1):c.1286T>C (p.Leu429Pro)

Gene: ACOX1 (acyl-CoA oxidase 1; minus strand). Cytogenetic location: 17q25.1.
Variant type: single nucleotide variant.
Coding change: c.1286T>C on transcript NM_004035.7 (MANE Select); coding-DNA position 1286, T replaced by C.
Protein change: p.Leu429Pro; replaces leucine 429 with proline.
Molecular consequence: missense variant.
Genome position (GRCh38, 1-based): chr17:75,950,786, A>G on the plus strand (T>C on the coding strand, the complement: ACOX1 is on the minus strand). VCF-style: chr17-75950786-A-G. GRCh37 (hg19) VCF-style: chr17-73946867-A-G.
Other names: c.1172T>C, p.Leu391Pro (NM_001185039.2); c.1286T>C, p.Leu429Pro (NM_007292.6); short protein forms L391P, L429P.
Identifiers: ClinVar variation 2761624 (VCV002761624.3), dbSNP rs2546075831, ClinGen allele CA401062436.